The following is an entry in ClinVar:

NM_001367949.2(FAT3):c.1470C>T (p.Ser490=)

Gene: FAT3 (FAT atypical cadherin 3; plus strand). Cytogenetic location: 11q14.3.
Variant type: single nucleotide variant.
Coding change: c.1470C>T on transcript NM_001367949.2 (MANE Select); coding-DNA position 1470, C replaced by T.
Protein change: p.Ser490=; no amino-acid change (serine 490 retained).
Molecular consequence: synonymous variant.
Genome position (GRCh38, 1-based): chr11:92,353,582, C>T. VCF-style: chr11-92353582-C-T. GRCh37 (hg19) VCF-style: chr11-92086748-C-T.
Other names: c.1470C>T, p.Ser490= (NM_001008781.3, NM_001378141.1).
Identifiers: ClinVar variation 3048229 (VCV003048229.2), dbSNP rs373479227, ClinGen allele CA6226308.

ClinVar aggregate classification (germline): Likely benign (0 of 4 stars; one submission).

Conditions:
FAT3-related disorder. Also called: FAT3-related condition.

Allele frequency attached by ClinVar (database versions not stated): ExAC 0.00015; ESP Exome Variant Server 0.00033; gnomAD 0.00060; TOPMed 0.00061; 1000 Genomes Project 30x 0.00109; 1000 Genomes Project 0.00120.
gnomAD v4.1: 233 of 1,613,720 alleles (0.014%); highest among the groups gnomAD compares: African/African-American, 0.23%; 1 homozygote.

Submission:

PreventionGenetics, part of Exact Sciences
Classification: Likely benign for FAT3-related condition. Last evaluated: 2019-04-25. Review status: no assertion criteria provided. Collection method: clinical testing. Allele origin: germline.
Comment: This variant is classified as likely benign based on ACMG/AMP sequence variant interpretation guidelines (Richards et al. 2015 PMID: 25741868, with internal and published modifications).